The following is an entry in ClinVar:

ClinVar aggregate classification (germline): Likely benign. Review status: criteria provided, multiple submitters, no conflicts (2 of 4 stars). 4 submissions from 4 submitters: Likely benign (4). Last evaluated 2024-02-24.

Conditions:
Developmental and epileptic encephalopathy, 18 (DEE18). Also called: Early infantile epileptic encephalopathy 18. Identifiers: Orphanet 369894, MedGen C3809624, MONDO:0014201, OMIM 615476.

Allele frequency attached by ClinVar (database versions not stated): gnomAD exomes 0.00003 and 0.00006; TOPMed 0.00003; ExAC 0.00004; gnomAD 0.00004; ESP Exome Variant Server 0.00015.
gnomAD v4.1: 53 of 1,612,858 alleles (0.0033%); highest among the groups gnomAD compares: Admixed American, 0.0083%; no homozygotes.

Submissions (4):

Labcorp Genetics (formerly Invitae), Labcorp
Classification: Likely benign. Last evaluated: 2024-02-24. Review status: criteria provided, single submitter. Criteria: Invitae Variant Classification Sherloc (09022015). Collection method: clinical testing. Allele origin: germline.

Genome-Nilou Lab
Classification: Likely benign for Developmental and epileptic encephalopathy, 18. Last evaluated: 2023-04-11. Review status: criteria provided, single submitter. Criteria: ACMG Guidelines, 2015. Collection method: clinical testing. Allele origin: germline. Affected: no.

CeGaT Center for Human Genetics Tuebingen
Classification: Likely benign. Last evaluated: 2023-04-01. Review status: criteria provided, single submitter. Criteria: CeGaT Center For Human Genetics Tuebingen Variant Classification Criteria Version 2. Collection method: clinical testing. Allele origin: germline. Affected: yes. Observed: 1 variant allele.
Comment: SZT2: BP4, BP7

GeneDx
Classification: Likely benign. Last evaluated: 2021-01-27. Review status: criteria provided, single submitter. Criteria: GeneDx Variant Classification Process June 2021. Collection method: clinical testing. Allele origin: germline. Affected: yes.

NM_001365999.1(SZT2):c.4716C>T (p.Ser1572=)

Gene: SZT2 (SZT2 subunit of KICSTOR complex; plus strand). Cytogenetic location: 1p34.2.
Variant type: single nucleotide variant.
Coding change: c.4716C>T on transcript NM_001365999.1 (MANE Select); coding-DNA position 4716, C replaced by T.
Protein change: p.Ser1572=; no amino-acid change (serine 1572 retained).
Molecular consequence: synonymous variant.
Genome position (GRCh38, 1-based): chr1:43,430,731, C>T. VCF-style: chr1-43430731-C-T. GRCh37 (hg19) VCF-style: chr1-43896402-C-T.
Other names: c.4545C>T, p.Ser1515= (NM_015284.4).
Identifiers: ClinVar variation 697924 (VCV000697924.36), dbSNP rs147043685, ClinGen allele CA809357.